The following is an entry in ClinVar:

NM_004360.5(CDH1):c.2295+1G>A

Gene: CDH1 (cadherin 1; plus strand). Cytogenetic location: 16q22.1.
Variant type: single nucleotide variant.
Coding change: c.2295+1G>A on transcript NM_004360.5 (MANE Select); the canonical splice donor site of the intron after coding-DNA position 2295, G replaced by A.
Molecular consequence: splice donor variant.
Genome position (GRCh38, 1-based): chr16:68,828,305, G>A. VCF-style: chr16-68828305-G-A. GRCh37 (hg19) VCF-style: chr16-68862208-G-A.
Other names: c.747+1G>A (NM_001317185.2); c.330+1G>A (NM_001317186.2); c.2112+1G>A (NM_001317184.2).
Identifiers: ClinVar variation 1789156 (VCV001789156.7), dbSNP rs1596971108, ClinGen allele CA396470170.

ClinVar aggregate classification (germline): Likely pathogenic. Review status: criteria provided, multiple submitters, no conflicts (2 of 4 stars). 3 submissions from 3 submitters: Likely pathogenic (3). Last evaluated 2023-06-15.

Conditions:
Hereditary cancer-predisposing syndrome. Also called: Tumor predisposition; Neoplastic Syndromes, Hereditary; Hereditary Cancer Syndrome; Hereditary neoplastic syndrome. Identifiers: Orphanet 140162, MedGen C0027672, MeSH D009386, MONDO:0015356.
Hereditary diffuse gastric adenocarcinoma (HDGC). Also called: DIFFUSE GASTRIC AND LOBULAR BREAST CANCER SYNDROME. Identifiers: Orphanet 26106, MedGen C1708349, MONDO:0007648, OMIM 137215.

Submissions (3):

Myriad Genetics, Inc.
Classification: Likely pathogenic for Hereditary diffuse gastric adenocarcinoma. Last evaluated: 2023-06-15. Review status: criteria provided, single submitter. Criteria: Myriad Autosomal Dominant, Autosomal Recessive and X-Linked Classification Criteria (2023). Collection method: clinical testing. Allele origin: unknown.
Comment: This variant is considered likely pathogenic. This variant occurs within a consensus splice junction and is predicted to result in abnormal mRNA splicing of either an out-of-frame exon or an in-frame exon necessary for protein stability and/or normal function.

Labcorp Genetics (formerly Invitae), Labcorp
Classification: Likely pathogenic for Hereditary diffuse gastric adenocarcinoma. Last evaluated: 2023-02-07. Review status: criteria provided, single submitter. Criteria: Invitae Variant Classification Sherloc (09022015). Collection method: clinical testing. Allele origin: germline.
Comment: In summary, the currently available evidence indicates that the variant is pathogenic, but additional data are needed to prove that conclusively. Therefore, this variant has been classified as Likely Pathogenic. Algorithms developed to predict the effect of sequence changes on RNA splicing suggest that this variant may disrupt the consensus splice site. ClinVar contains an entry for this variant (Variation ID: 1789156). This variant has not been reported in the literature in individuals affected with CDH1-related conditions. This variant is not present in population databases (gnomAD no frequency). This sequence change affects a donor splice site in intron 14 of the CDH1 gene. It is expected to disrupt RNA splicing. Variants that disrupt the donor or acceptor splice site typically lead to a loss of protein function (PMID: 16199547), and loss-of-function variants in CDH1 are known to be pathogenic (PMID: 15235021, 20373070).

Ambry Genetics
Classification: Likely pathogenic for Hereditary cancer-predisposing syndrome. Last evaluated: 2022-03-03. Review status: criteria provided, single submitter. Criteria: Ambry Variant Classification Scheme 2023. Collection method: clinical testing. Allele origin: germline.
Comment: The c.2295+1G>A intronic variant results from a G to A substitution one nucleotide after coding exon 14 of the CDH1 gene. This variant is considered to be rare based on population cohorts in the Genome Aggregation Database (gnomAD). This nucleotide position is highly conserved in available vertebrate species. In silico splice site analysis predicts that this alteration will weaken the native splice donor site. RNA studies have demonstrated that this alteration results in abnormal splicing in the set of samples tested (Ambry internal data). Alterations that disrupt the canonical splice site are expected to cause aberrant splicing, resulting in an abnormal protein or a transcript that is subject to nonsense-mediated mRNA decay. As such, this alteration is classified as likely pathogenic.

Literature cited by the submitters: PubMed 16199547 (cited by Labcorp Genetics (formerly Invitae), Labcorp); PubMed 15235021 (cited by Labcorp Genetics (formerly Invitae), Labcorp); PubMed 20373070 (cited by Labcorp Genetics (formerly Invitae), Labcorp).